The following is an entry in ClinVar:

NM_021971.4(GMPPB):c.578T>C (p.Ile193Thr)

Gene: GMPPB (GDP-mannose pyrophosphorylase B; minus strand). Cytogenetic location: 3p21.31.
Variant type: single nucleotide variant.
Coding change: c.578T>C on transcript NM_021971.4 (MANE Select); coding-DNA position 578, T replaced by C.
Protein change: p.Ile193Thr; replaces isoleucine 193 with threonine.
Molecular consequence: missense variant.
Genome position (GRCh38, 1-based): chr3:49,722,494, A>G on the plus strand (T>C on the coding strand, the complement: GMPPB is on the minus strand). VCF-style: chr3-49722494-A-G. GRCh37 (hg19) VCF-style: chr3-49759927-A-G.
Other names: c.578T>C, p.Ile193Thr (NM_013334.4); short protein forms I193T.
Identifiers: ClinVar variation 1478486 (VCV001478486.8), dbSNP rs780301264, ClinGen allele CA2405504.

ClinVar aggregate classification (germline): Uncertain significance (1 of 4 stars; one submission).

Conditions:
Muscular dystrophy-dystroglycanopathy (congenital with impaired intellectual development), type B, 14. Also called: Congenital muscular dystrophy-dystroglycanopathy with mental retardation, type B14; Muscular dystrophy-dystroglycanopathy (congenital with intellectual disability), type B14; MUSCULAR DYSTROPHY, CONGENITAL, GMPPB-RELATED. Identifiers: MedGen C3809221, MONDO:0014141, OMIM 615351.
Autosomal recessive limb-girdle muscular dystrophy type 2T. Also called: MUSCULAR DYSTROPHY-DYSTROGLYCANOPATHY, LIMB-GIRDLE, GMPPB-RELATED; MUSCULAR DYSTROPHY, LIMB-GIRDLE, TYPE 2T; Muscular dystrophy-dystroglycanopathy (limb-girdle), type c, 14; Limb-girdle muscular dystrophy-dystroglycanopathy, type C14. Identifiers: Orphanet 363623, MedGen C4518000, MONDO:0014142, OMIM 615352.
Muscular dystrophy-dystroglycanopathy (congenital with brain and eye anomalies), type A14. Also called: Congenital muscular dystrophy-dystroglycanopathy with brain and eye anomalies, type A14; WALKER-WARBURG SYNDROME OR MUSCLE-EYE-BRAIN DISEASE, GMPPB-RELATED; Muscular dystrophy-dystroglycanopathy (congenital with brain and eye anomalies), type a, 14; Congenital Muscular Dystrophy-Dystroglycanopathy with Brain and Eye Anomalies Type A 14. Identifiers: Orphanet 588, MedGen C3809216, MONDO:0014140, OMIM 615350.

Allele frequency attached by ClinVar (database versions not stated): TOPMed below 0.00001; ExAC 0.00001; gnomAD exomes 0.00002 and 0.00001; gnomAD 0.00001.

Submission:

Labcorp Genetics (formerly Invitae), Labcorp
Classification: Uncertain significance for Autosomal recessive limb-girdle muscular dystrophy type 2T; Muscular dystrophy-dystroglycanopathy (congenital with brain and eye anomalies), type A14; Muscular dystrophy-dystroglycanopathy (congenital with impaired intellectual development), type B, 14. Last evaluated: 2024-11-14. Review status: criteria provided, single submitter. Criteria: Invitae Variant Classification Sherloc (09022015). Collection method: clinical testing. Allele origin: germline.
Comment: This sequence change replaces isoleucine, which is neutral and non-polar, with threonine, which is neutral and polar, at codon 193 of the GMPPB protein (p.Ile193Thr). This variant is present in population databases (rs780301264, gnomAD 0.003%). This missense change has been observed in individual(s) with GMPPB-related conditions (PMID: 26133662). ClinVar contains an entry for this variant (Variation ID: 1478486). Invitae Evidence Modeling of protein sequence and biophysical properties (such as structural, functional, and spatial information, amino acid conservation, physicochemical variation, residue mobility, and thermodynamic stability) indicates that this missense variant is expected to disrupt GMPPB protein function with a positive predictive value of 80%. Experimental studies have shown that this missense change affects GMPPB function (PMID: 35006422). In summary, the available evidence is currently insufficient to determine the role of this variant in disease. Therefore, it has been classified as a Variant of Uncertain Significance.

Literature cited by the submitters: PubMed 26133662; PubMed 35006422.